The following is an entry in ClinVar:

NM_017654.4(SAMD9):c.2009del (p.Asn670fs)

Gene: SAMD9 (sterile alpha motif domain containing 9; minus strand). Cytogenetic location: 7q21.2.
Variant type: Deletion.
Coding change: c.2009del on transcript NM_017654.4 (MANE Select); coding-DNA position 2009, one base deleted (A; older notation c.2009delA).
Protein change: p.Asn670fs; shifts the reading frame from asparagine 670.
Molecular consequence: frameshift variant.
Genome position (GRCh38, 1-based): chr7:93,104,089, T deleted on the plus strand (A on the coding strand, the reverse complement: SAMD9 is on the minus strand); the first of 5 consecutive T bases (chr7:93,104,089-93,104,093); deleting any one gives the same sequence. VCF-style (leftmost placement, unchanged base first): chr7-93104088-AT-A. GRCh37 (hg19) VCF-style: chr7-92733401-AT-A.
Other names: c.2009del, p.Asn670fs (NM_001193307.2); short protein forms N670fs.
Identifiers: ClinVar variation 3687542 (VCV003687542.3).
Genomic context (GRCh38, chr7:93,104,088, plus strand): 5'-TGACACTTTGCCACCTCGATAGAAGTCTTCCTCTTTTGATGCCTTGAATTCAAGGAATTT[AT>A]TTTTGTCCTTCTCTAACAGTGTACCCTCACATTCATTTTCACAGATAATTTCCAGAGCAG-3'

ClinVar aggregate classification (germline): Uncertain significance. Review status: criteria provided, multiple submitters, no conflicts (2 of 4 stars). 2 submissions from 2 submitters: Uncertain significance (2). Last evaluated 2024-07-23.

Conditions:
Normophosphatemic familial tumoral calcinosis. Also called: CALCINOSIS, TUMORAL, WITH NORMOPHOSPHATEMIA. Identifiers: Orphanet 306658, Orphanet 53715, MedGen C1864861, MONDO:0012502, OMIM 610455.

Submissions (2):

Labcorp Genetics (formerly Invitae), Labcorp
Classification: Uncertain significance. Last evaluated: 2024-07-23. Review status: criteria provided, single submitter. Criteria: Invitae Variant Classification Sherloc (09022015). Collection method: clinical testing. Allele origin: germline.
Comment: This sequence change creates a premature translational stop signal (p.Asn670Ilefs*48) in the SAMD9 gene. While this is not anticipated to result in nonsense mediated decay, it is expected to disrupt the last 920 amino acid(s) of the SAMD9 protein. This variant is not present in population databases (gnomAD no frequency). This variant has not been reported in the literature in individuals affected with SAMD9-related conditions. Experimental studies and prediction algorithms are not available or were not evaluated, and the functional significance of this variant is currently unknown. In summary, the available evidence is currently insufficient to determine the role of this variant in disease. Therefore, it has been classified as a Variant of Uncertain Significance.

Department of Pathology and Laboratory Medicine, Sinai Health System
Classification: Uncertain significance for normophosphatemic familial tumoral calcinosis. Last evaluated: 2021-08-04. Review status: criteria provided, single submitter. Criteria: ACMG Guidelines, 2015. Collection method: research. Allele origin: germline.